The following is an entry in ClinVar:

NM_001365088.1(SLC12A6):c.1025A>G (p.Lys342Arg)

Gene: SLC12A6 (solute carrier family 12 member 6; minus strand). Cytogenetic location: 15q14.
Variant type: single nucleotide variant.
Coding change: c.1025A>G on transcript NM_001365088.1 (MANE Select); coding-DNA position 1025, A replaced by G.
Protein change: p.Lys342Arg; replaces lysine 342 with arginine.
Molecular consequence: missense variant.
Genome position (GRCh38, 1-based): chr15:34,254,441, T>C on the plus strand (A>G on the coding strand, the complement: SLC12A6 is on the minus strand). VCF-style: chr15-34254441-T-C. GRCh37 (hg19) VCF-style: chr15-34546642-T-C.
Other names: c.848A>G, p.Lys283Arg (NM_001042494.2, NM_001042495.2); c.998A>G, p.Lys333Arg (NM_001042496.2); c.980A>G, p.Lys327Arg (NM_001042497.2); c.872A>G, p.Lys291Arg (NM_005135.2); c.1025A>G, p.Lys342Arg (NM_133647.2); short protein forms K291R, K333R, K327R, K342R, K283R.
Identifiers: ClinVar variation 2175049 (VCV002175049.4), dbSNP rs1420673692, ClinGen allele CA391608988.

ClinVar aggregate classification (germline): Uncertain significance (1 of 4 stars; one submission).

Allele frequency attached by ClinVar (database versions not stated): TOPMed below 0.00001; gnomAD 0.00001; gnomAD exomes 0.00001.
gnomAD v4.1: 7 of 1,613,744 alleles (0.00043%); highest among the groups gnomAD compares: Non-Finnish European, 0.00059%; no homozygotes.

Submission:

Labcorp Genetics (formerly Invitae), Labcorp
Classification: Uncertain significance. Last evaluated: 2023-08-04. Review status: criteria provided, single submitter. Criteria: Invitae Variant Classification Sherloc (09022015). Collection method: clinical testing. Allele origin: germline.
Comment: This sequence change replaces lysine, which is basic and polar, with arginine, which is basic and polar, at codon 342 of the SLC12A6 protein (p.Lys342Arg). This variant is not present in population databases (gnomAD no frequency). This variant has not been reported in the literature in individuals affected with SLC12A6-related conditions. ClinVar contains an entry for this variant (Variation ID: 2175049). Advanced modeling of protein sequence and biophysical properties (such as structural, functional, and spatial information, amino acid conservation, physicochemical variation, residue mobility, and thermodynamic stability) performed at Invitae indicates that this missense variant is not expected to disrupt SLC12A6 protein function. Algorithms developed to predict the effect of sequence changes on RNA splicing suggest that this variant may create or strengthen a splice site. In summary, the available evidence is currently insufficient to determine the role of this variant in disease. Therefore, it has been classified as a Variant of Uncertain Significance.